The following is an entry in ClinVar:

NM_000538.4(RFXAP):c.600+3A>T

Genes: RFXAP (regulatory factor X associated protein; plus strand), LOC130009575 (ATAC-STARR-seq lymphoblastoid active region 7590; plus strand). Cytogenetic location: 13q13.3.
Variant type: single nucleotide variant.
Coding change: c.600+3A>T on transcript NM_000538.4 (MANE Select); 3 bases into the intron after coding-DNA position 600, A replaced by T.
Molecular consequence: intron variant.
Genome position (GRCh38, 1-based): chr13:36,819,960, A>T. VCF-style: chr13-36819960-A-T. GRCh37 (hg19) VCF-style: chr13-37394097-A-T.
Identifiers: ClinVar variation 1354465 (VCV001354465.4), dbSNP rs372895488, ClinGen allele CA6950231.
Genomic context (GRCh38, chr13:36,819,960, plus strand): 5'-GGCCCTGAACTGCGGTGGGACTGCCTCGACTGGCAGCGCGGGAAACGTCAAACTCGAGGT[A>T]TCAGACTTAGCTGAGGCCTGGGGATGGGAGGTGGAAGAAGAAACCCGATCTTAACGCAAA-3'

ClinVar aggregate classification (germline): Uncertain significance (1 of 4 stars; one submission).

Conditions:
MHC class II deficiency. Also called: Bare lymphocyte syndrome 2; BLS, TYPE II. Identifiers: Orphanet 572, MedGen C5447452, MONDO:0008855.

Allele frequency attached by ClinVar (database versions not stated): ExAC 0.00008; ESP Exome Variant Server 0.00015.
gnomAD v4.1: 112 of 1,613,686 alleles (0.0069%); highest among the groups gnomAD compares: Non-Finnish European, 0.0094%; no homozygotes.

Submission:

Labcorp Genetics (formerly Invitae), Labcorp
Classification: Uncertain significance for MHC class II deficiency. Last evaluated: 2024-05-13. Review status: criteria provided, single submitter. Criteria: Invitae Variant Classification Sherloc (09022015). Collection method: clinical testing. Allele origin: germline.
Comment: This sequence change falls in intron 1 of the RFXAP gene. It does not directly change the encoded amino acid sequence of the RFXAP protein. It affects a nucleotide within the consensus splice site. This variant is present in population databases (rs372895488, gnomAD 0.01%). This variant has not been reported in the literature in individuals affected with RFXAP-related conditions. ClinVar contains an entry for this variant (Variation ID: 1354465). Variants that disrupt the consensus splice site are a relatively common cause of aberrant splicing (PMID: 17576681, 9536098). Algorithms developed to predict the effect of sequence changes on RNA splicing suggest that this variant may disrupt the consensus splice site. In summary, the available evidence is currently insufficient to determine the role of this variant in disease. Therefore, it has been classified as a Variant of Uncertain Significance.

Literature cited by the submitters: PubMed 17576681; PubMed 9536098.